The following is an entry in ClinVar:

ClinVar aggregate classification (germline): Uncertain significance. Review status: criteria provided, multiple submitters, no conflicts (2 of 4 stars). 2 submissions from 2 submitters: Uncertain significance (2). Last evaluated 2025-09-22.

Conditions:
Hereditary cancer-predisposing syndrome. Also called: Hereditary Cancer Syndrome; Tumor predisposition; Neoplastic Syndromes, Hereditary; Hereditary neoplastic syndrome. Identifiers: Orphanet 140162, MedGen C0027672, MeSH D009386, MONDO:0015356.
Ataxia-telangiectasia syndrome (AT). Also called: ATAXIA-TELANGIECTASIA, COMPLEMENTATION GROUP A; ATAXIA-TELANGIECTASIA, FRESNO VARIANT; Ataxia-telangiectasia; Ataxia-telangiectasia, complementation group E; Cerebello-oculocutaneous telangiectasia; Immunodeficiency with ataxia telangiectasia. Identifiers: Orphanet 100, MedGen C0004135, MONDO:0008840, OMIM 208900.

Allele frequency attached by ClinVar (database versions not stated): gnomAD exomes below 0.00001.
gnomAD v4.1: 1 of 1,614,186 alleles (0.000062%); highest among the groups gnomAD compares: Non-Finnish European, 0.000085%; no homozygotes.

Submissions (2):

Labcorp Genetics (formerly Invitae), Labcorp
Classification: Uncertain significance for Ataxia-telangiectasia syndrome. Last evaluated: 2025-09-22. Review status: criteria provided, single submitter. Criteria: Invitae Variant Classification Sherloc (09022015). Collection method: clinical testing. Allele origin: germline.
Comment: This sequence change replaces tyrosine, which is neutral and polar, with cysteine, which is neutral and slightly polar, at codon 2036 of the ATM protein (p.Tyr2036Cys). This variant is not present in population databases (gnomAD no frequency). This variant has not been reported in the literature in individuals affected with ATM-related conditions. ClinVar contains an entry for this variant (Variation ID: 188201). Invitae Evidence Modeling of protein sequence and biophysical properties (such as structural, functional, and spatial information, amino acid conservation, physicochemical variation, residue mobility, and thermodynamic stability) indicates that this missense variant is expected to disrupt ATM protein function with a positive predictive value of 80%. In summary, the available evidence is currently insufficient to determine the role of this variant in disease. Therefore, it has been classified as a Variant of Uncertain Significance.

Ambry Genetics
Classification: Uncertain significance for Hereditary cancer-predisposing syndrome. Last evaluated: 2024-01-25. Review status: criteria provided, single submitter. Criteria: Ambry Variant Classification Scheme 2023. Collection method: clinical testing. Allele origin: germline.
Comment: The p.Y2036C variant (also known as c.6107A>G), located in coding exon 41 of the ATM gene, results from an A to G substitution at nucleotide position 6107. The tyrosine at codon 2036 is replaced by cysteine, an amino acid with highly dissimilar properties. This amino acid position is highly conserved in available vertebrate species. In addition, the in silico prediction for this alteration is inconclusive. Based on the available evidence, the clinical significance of this alteration remains unclear.

NM_000051.4(ATM):c.6107A>G (p.Tyr2036Cys)

Genes: ATM (ATM serine/threonine kinase; plus strand), C11orf65 (chromosome 11 open reading frame 65; minus strand). Cytogenetic location: 11q22.3.
Variant type: single nucleotide variant.
Coding change: c.6107A>G on transcript NM_000051.4 (MANE Select); coding-DNA position 6107, A replaced by G.
Protein change: p.Tyr2036Cys; replaces tyrosine 2036 with cysteine.
Molecular consequence: missense variant. On other transcripts: intron variant (2).
Genome position (GRCh38, 1-based): chr11:108,316,022, A>G. VCF-style: chr11-108316022-A-G. GRCh37 (hg19) VCF-style: chr11-108186749-A-G.
Other names: c.6107A>G, p.Tyr2036Cys (NM_001351834.2); c.641-6951T>C (NM_001330368.2); c.*39-6951T>C (NM_001351110.2); short protein forms Y2036C.
Identifiers: ClinVar variation 188201 (VCV000188201.10), dbSNP rs786204141, ClinGen allele CA334298.